The following is an entry in ClinVar:

NM_002693.3(POLG):c.3601del (p.Ser1201fs)

Gene: POLG (DNA polymerase gamma, catalytic subunit; minus strand). Cytogenetic location: 15q26.1.
Variant type: Deletion.
Coding change: c.3601del on transcript NM_002693.3 (MANE Select); coding-DNA position 3601, one base deleted (T; older notation c.3601delT).
Protein change: p.Ser1201fs; shifts the reading frame from serine 1201.
Molecular consequence: frameshift variant.
Genome position (GRCh38, 1-based): chr15:89,317,418, A deleted on the plus strand (T on the coding strand, the reverse complement: POLG is on the minus strand); the first of 2 consecutive A bases (chr15:89,317,418-89,317,419); deleting either gives the same sequence. VCF-style (leftmost placement, unchanged base first): chr15-89317417-GA-G. GRCh37 (hg19) VCF-style: chr15-89860648-GA-G.
Other names: c.3601del, p.Ser1201fs (NM_001126131.2); short protein forms S1201fs.
Identifiers: ClinVar variation 1341586 (VCV001341586.33), dbSNP rs781311846, ClinGen allele CA7724086.

ClinVar aggregate classification (germline): Pathogenic/Likely pathogenic. Review status: criteria provided, multiple submitters, no conflicts (2 of 4 stars). 6 submissions from 6 submitters: Pathogenic (3); Likely pathogenic (3). Last evaluated 2026-09-01.

Conditions:
Sensory ataxic neuropathy, dysarthria, and ophthalmoparesis (SANDO). Also called: Sensory ataxic neuropathy-dysarthria-ophthalmoparesis syndrome; Epilepsy, progressive myoclonic, type 5; Ataxia Neuropathy Spectrum (ANS); SENSORY ATAXIC NEUROPATHY WITH MITOCHONDRIAL DNA DELETIONS, AUTOSOMAL RECESSIVE. Identifiers: Orphanet 70595, MedGen C1843851, MONDO:0011835, OMIM 607459.
Progressive sclerosing poliodystrophy (MTDPS4A). Also called: Alpers Syndrome; ALPERS DIFFUSE DEGENERATION OF CEREBRAL GRAY MATTER WITH HEPATIC CIRRHOSIS; NEURONAL DEGENERATION OF CHILDHOOD WITH LIVER DISEASE, PROGRESSIVE; Alpers-Huttenlocher Syndrome; Alpers-Huttenlocher Syndrome (AHS); Mitochondrial DNA depletion syndrome 4A (Alpers type). Identifiers: Orphanet 726, MedGen C0205710, MONDO:0008758, OMIM 203700.
Mitochondrial DNA depletion syndrome 4b. Also called: Mitochondrial Neurogastrointestinal Encephalopathy Disease, POLG-Related; MNGIE, POLG-RELATED. Identifiers: Orphanet 298, MedGen C3150914, MONDO:0013350, OMIM 613662.
Progressive external ophthalmoplegia with mitochondrial DNA deletions, autosomal dominant 1 (PEOA1). Also called: Autosomal Dominant Progressive External Ophthalmoplegia (adPEO); PROGRESSIVE EXTERNAL OPHTHALMOPLEGIA, AUTOSOMAL DOMINANT 1. Identifiers: MedGen C1834846, MONDO:0024528, OMIM 157640.
Progressive external ophthalmoplegia with mitochondrial DNA deletions, autosomal recessive 1 (PEOB1). Also called: Progressive external ophthalmoplegia, autosomal recessive 1; Autosomal Recessive Progressive External Ophthalmoplegia (arPEO). Identifiers: Orphanet 254886, MedGen C4225153, MONDO:0009783, OMIM 258450.
POLG-related disorder. Also called: POLG-Related Spectrum Disorders; POLG-related condition; POLG-Related Disorders. Identifiers: MedGen C4763519.

Submissions (6):

CeGaT Center for Human Genetics Tuebingen
Classification: Likely pathogenic. Last evaluated: 2026-09-01. Review status: criteria provided, single submitter. Criteria: CeGaT Center For Human Genetics Tuebingen Variant Classification Criteria Version 2. Collection method: clinical testing. Allele origin: germline. Affected: yes. Observed: 2 variant alleles.
Comment: POLG: PVS1:Strong, PM2, PM3

Myriad Genetics, Inc.
Classification: Pathogenic for POLG-related disorder. Last evaluated: 2025-05-09. Review status: criteria provided, single submitter. Criteria: Myriad Autosomal Dominant, Autosomal Recessive and X-Linked Classification Criteria (2023). Collection method: clinical testing. Allele origin: unknown.
Comment: NM_002693.2(POLG):c.3601delT(S1201Pfs*23) is a frameshift variant classified as pathogenic in the context of POLG-related disorders. S1201Pfs*23 has been observed in a case with relevant disease (PMID: 21138766). Relevant functional assessments of this variant are not available in the literature. S1201Pfs*23 has not been observed in referenced population frequency databases. In summary, NM_002693.2(POLG):c.3601delT(S1201Pfs*23) is a frameshift variant in a gene where loss of function is a known mechanism of disease, is predicted to disrupt protein function, and has been observed more frequently in cases with the relevant disease than in healthy populations. Please note: this variant was assessed in the context of healthy population screening.

Labcorp Genetics (formerly Invitae), Labcorp
Classification: Pathogenic for Progressive sclerosing poliodystrophy. Last evaluated: 2024-08-27. Review status: criteria provided, single submitter. Criteria: Invitae Variant Classification Sherloc (09022015). Collection method: clinical testing. Allele origin: germline.
Comment: This sequence change creates a premature translational stop signal (p.Ser1201Profs*23) in the POLG gene. While this is not anticipated to result in nonsense mediated decay, it is expected to disrupt the last 39 amino acid(s) of the POLG protein. This variant is present in population databases (rs781311846, gnomAD 0.0009%). This premature translational stop signal has been observed in individual(s) with Alpers-Huttenlocher syndrome and/or epilepsy, neurodevelopmental disorder (PMID: 21138766, 24725338, 29655203). ClinVar contains an entry for this variant (Variation ID: 1341586). This variant disrupts a region of the POLG protein in which other variant(s) (p.Tyr1210*) have been determined to be pathogenic (PMID: 20691285, 30385167, 30423451). This suggests that this is a clinically significant region of the protein, and that variants that disrupt it are likely to be disease-causing. For these reasons, this variant has been classified as Pathogenic.

Fulgent Genetics
Classification: Likely pathogenic for Progressive external ophthalmoplegia with mitochondrial DNA deletions, autosomal dominant 1; Progressive sclerosing poliodystrophy; Progressive external ophthalmoplegia with mitochondrial DNA deletions, autosomal recessive 1; Sensory ataxic neuropathy, dysarthria, and ophthalmoparesis; Mitochondrial DNA depletion syndrome 4b. Last evaluated: 2024-05-24. Review status: criteria provided, single submitter. Criteria: ACMG Guidelines, 2015. Collection method: clinical testing. Allele origin: germline.

Baylor Genetics
Classification: Pathogenic for Progressive sclerosing poliodystrophy. Last evaluated: 2024-03-26. Review status: criteria provided, single submitter. Criteria: ACMG Guidelines, 2015. Collection method: clinical testing. Allele origin: unknown.

GeneDx
Classification: Likely pathogenic. Last evaluated: 2022-02-08. Review status: criteria provided, single submitter. Criteria: GeneDx Variant Classification Process June 2021. Collection method: clinical testing. Allele origin: germline. Affected: yes.
Comment: Functional study using fibroblasts from a patient with c.3601del (referred as c.3600delT), and a second POLG variant in trans, demonstrated slower mtDNA recovery compared to controls after mitochondria depletion with ethidium bromide (Stewart et al., 2011).; Frameshift variant predicted to result in protein truncation, as the last 39 amino acids are replaced with 22 different amino acids, and other loss-of-function variants have been reported downstream in HGMD; Not observed at significant frequency in large population cohorts (gnomAD); This variant is associated with the following publications: (PMID: 24725338, 29655203, 21138766)

Literature cited by the submitters: PubMed 21138766 (cited by Myriad Genetics, Inc. and Labcorp Genetics (formerly Invitae), Labcorp); PubMed 24725338 (cited by Labcorp Genetics (formerly Invitae), Labcorp); PubMed 29655203 (cited by Labcorp Genetics (formerly Invitae), Labcorp); PubMed 20691285 (cited by Labcorp Genetics (formerly Invitae), Labcorp); PubMed 30385167 (cited by Labcorp Genetics (formerly Invitae), Labcorp); PubMed 30423451 (cited by Labcorp Genetics (formerly Invitae), Labcorp).